The following is an entry in ClinVar:

NM_000702.4(ATP1A2):c.835del (p.Arg279fs)

Gene: ATP1A2 (ATPase Na+/K+ transporting subunit alpha 2; plus strand). Cytogenetic location: 1q23.2.
Variant type: Deletion.
Coding change: c.835del on transcript NM_000702.4 (MANE Select); coding-DNA position 835, one base deleted (C; older notation c.835delC).
Protein change: p.Arg279fs; shifts the reading frame from arginine 279.
Molecular consequence: frameshift variant.
Genome position (GRCh38, 1-based): chr1:160,127,638, C deleted. VCF-style (leftmost placement, unchanged base first): chr1-160127637-GC-G. GRCh37 (hg19) VCF-style: chr1-160097427-GC-G.
Other names: c.835del (NM_000702.3); short protein forms R279fs.
Identifiers: ClinVar variation 586989 (VCV000586989.7), dbSNP rs1558005340, ClinGen allele CA913189843.

ClinVar aggregate classification (germline): Pathogenic. Review status: criteria provided, single submitter (1 of 4 stars). 3 submissions from 3 submitters: Pathogenic (1). 2 of the submissions do not count toward it. Last evaluated 2022-03-04.

Conditions:
Fetal akinesia, respiratory insufficiency, microcephaly, polymicrogyria, and dysmorphic facies. Identifiers: MedGen C5562015, MONDO:0859204, OMIM 619602.

Submissions (3):

GeneDx
Classification: Pathogenic. Last evaluated: 2022-03-04. Review status: criteria provided, single submitter. Criteria: GeneDx Variant Classification Process June 2021. Collection method: clinical testing. Allele origin: germline. Affected: yes.
Comment: Frameshift variant predicted to result in protein truncation or nonsense mediated decay in a gene for which loss-of-function is a known mechanism of disease; Not observed at significant frequency in large population cohorts (gnomAD); This variant is associated with the following publications: (PMID: 30690204, 33880529)

Mendelics
Classification: Likely pathogenic for Fetal akinesia, respiratory insufficiency, microcephaly, polymicrogyria, and dysmorphic facies. Last evaluated: 2024-11-15. Review status: no assertion criteria provided. Collection method: clinical testing. Allele origin: inherited. Affected: yes. Not counted in ClinVar's aggregate classification.

OMIM
Classification: Pathogenic for FETAL AKINESIA, RESPIRATORY INSUFFICIENCY, MICROCEPHALY, POLYMICROGYRIA, AND DYSMORPHIC FACIES. Last evaluated: 2021-11-10. Review status: no assertion criteria provided. Collection method: literature only. Allele origin: germline. Not counted in ClinVar's aggregate classification.

Literature cited by the submitters: PubMed 30690204 (cited by Mendelics and OMIM).